The following is an entry in ClinVar:

NM_002840.5(PTPRF):c.2640C>T (p.Thr880=)

Gene: PTPRF (protein tyrosine phosphatase receptor type F; plus strand). Cytogenetic location: 1p34.2.
Variant type: single nucleotide variant.
Coding change: c.2640C>T on transcript NM_002840.5 (MANE Select); coding-DNA position 2640, C replaced by T.
Protein change: p.Thr880=; no amino-acid change (threonine 880 retained).
Molecular consequence: synonymous variant. On other transcripts: intron variant (4).
Genome position (GRCh38, 1-based): chr1:43,603,792, C>T. VCF-style: chr1-43603792-C-T. GRCh37 (hg19) VCF-style: chr1-44069463-C-T.
Other names: c.2613C>T, p.Thr871= (NM_130440.4); c.2182+259C>T (NM_001329138.2); c.2170+259C>T (NM_001329137.2); c.2152+259C>T (NM_001329139.2); c.2125+259C>T (NM_001329140.2).
Identifiers: ClinVar variation 3040737 (VCV003040737.2), dbSNP rs146700581, ClinGen allele CA812555.
Genomic context (GRCh38, chr1:43,603,792, plus strand): 5'-CGACGAGGCGCGGCCCAACACCATAGATTTCGGCAAGGATGACCAGCACTTCACAGTCAC[C>T]GGCCTGCACAAGGGGACCACCTACATCTTCCGGCTTGCTGCCAAGAACCGGGCTGGCTTG-3'
Protein context (NP_002831.2, residues 870-890): FGKDDQHFTV[Thr880=]GLHKGTTYIF

ClinVar aggregate classification (germline): Likely benign (0 of 4 stars; one submission).

Conditions:
PTPRF-related disorder. Also called: PTPRF-related condition.

Allele frequency attached by ClinVar (database versions not stated): 1000 Genomes Project 30x 0.00016; TOPMed 0.00019; 1000 Genomes Project 0.00020; gnomAD 0.00023; ExAC 0.00026; ESP Exome Variant Server 0.00031; gnomAD exomes 0.00034.
gnomAD v4.1: 518 of 1,614,074 alleles (0.032%); highest among the groups gnomAD compares: Non-Finnish European, 0.042%; no homozygotes.

Submission:

PreventionGenetics, part of Exact Sciences
Classification: Likely benign for PTPRF-related condition. Last evaluated: 2019-02-19. Review status: no assertion criteria provided. Collection method: clinical testing. Allele origin: germline.
Comment: This variant is classified as likely benign based on ACMG/AMP sequence variant interpretation guidelines (Richards et al. 2015 PMID: 25741868, with internal and published modifications).